The following is an entry in ClinVar:

NM_001042492.3(NF1):c.2524G>A (p.Gly842Ser)

Gene: NF1 (neurofibromin 1; plus strand). Cytogenetic location: 17q11.2.
Variant type: single nucleotide variant.
Coding change: c.2524G>A on transcript NM_001042492.3 (MANE Select); coding-DNA position 2524, G replaced by A.
Protein change: p.Gly842Ser; replaces glycine 842 with serine.
Molecular consequence: missense variant.
Genome position (GRCh38, 1-based): chr17:31,229,139, G>A. VCF-style: chr17-31229139-G-A. GRCh37 (hg19) VCF-style: chr17-29556157-G-A.
Other names: c.2524G>A, p.Gly842Ser (NM_000267.4); short protein forms G842S.
Identifiers: ClinVar variation 2707733 (VCV002707733.4), dbSNP rs2151429044, ClinGen allele CA398984183.
Genomic context (GRCh38, chr17:31,229,139, plus strand): 5'-GGAGGAGGATCCATAGATTTGTCTGACACAGACTCCCTACAGGAATGGATCAACATGACT[G>A]GCTTCCTTTGTGCCCTTGGGGGAGTGTGCCTCCAGCAGAGAAGCAATTCTGGCCTGGCAA-3'
Protein context (NP_001035957.1, residues 832-852): DSLQEWINMT[Gly842Ser]FLCALGGVCL

ClinVar aggregate classification (germline): Uncertain significance. Review status: criteria provided, multiple submitters, no conflicts (2 of 4 stars). 2 submissions from 2 submitters: Uncertain significance (2). Last evaluated 2024-01-05.

Conditions:
Hereditary cancer-predisposing syndrome. Also called: Neoplastic Syndromes, Hereditary; Hereditary neoplastic syndrome; Tumor predisposition; Hereditary Cancer Syndrome. Identifiers: Orphanet 140162, MedGen C0027672, MeSH D009386, MONDO:0015356.
Cardiovascular phenotype. Identifiers: MedGen CN230736.
Neurofibromatosis, type 1 (NF1). Also called: Peripheral type neurofibromatosis; VON RECKLINGHAUSEN DISEASE; NEUROFIBROMATOSIS, TYPE I, SOMATIC; Neurofibromatosis, type I. Identifiers: Orphanet 636, MedGen C0027831, MONDO:0018975, OMIM 162200. Disease mechanism: loss of function.

Submissions (2):

Labcorp Genetics (formerly Invitae), Labcorp
Classification: Uncertain significance for Neurofibromatosis, type 1. Last evaluated: 2024-01-05. Review status: criteria provided, single submitter. Criteria: Invitae Variant Classification Sherloc (09022015). Collection method: clinical testing. Allele origin: germline.
Comment: This sequence change replaces glycine, which is neutral and non-polar, with serine, which is neutral and polar, at codon 842 of the NF1 protein (p.Gly842Ser). This variant is not present in population databases (gnomAD no frequency). This variant has not been reported in the literature in individuals affected with NF1-related conditions. Advanced modeling of protein sequence and biophysical properties (such as structural, functional, and spatial information, amino acid conservation, physicochemical variation, residue mobility, and thermodynamic stability) performed at Invitae indicates that this missense variant is expected to disrupt NF1 protein function with a positive predictive value of 95%. In summary, the available evidence is currently insufficient to determine the role of this variant in disease. Therefore, it has been classified as a Variant of Uncertain Significance.

Ambry Genetics
Classification: Uncertain significance for Cardiovascular phenotype; Hereditary cancer-predisposing syndrome. Last evaluated: 2023-06-29. Review status: criteria provided, single submitter. Criteria: Ambry Variant Classification Scheme 2023. Collection method: clinical testing. Allele origin: germline.
Comment: The p.G842S variant (also known as c.2524G>A), located in coding exon 21 of the NF1 gene, results from a G to A substitution at nucleotide position 2524. The glycine at codon 842 is replaced by serine, an amino acid with similar properties. This amino acid position is highly conserved in available vertebrate species. In addition, this alteration is predicted to be deleterious by in silico analysis. Since supporting evidence is limited at this time, the clinical significance of this alteration remains unclear.